The following is an entry in ClinVar:

NM_004519.4(KCNQ3):c.*5971C>A

Gene: KCNQ3 (potassium voltage-gated channel subfamily Q member 3; minus strand). Cytogenetic location: 8q24.22.
Variant type: single nucleotide variant.
Coding change: c.*5971C>A on transcript NM_004519.4 (MANE Select); 5971 bases downstream of the stop codon, C replaced by A.
Molecular consequence: 3 prime UTR variant.
Genome position (GRCh38, 1-based): chr8:132,123,291, G>T on the plus strand (C>A on the coding strand, the complement: KCNQ3 is on the minus strand). VCF-style: chr8-132123291-G-T. GRCh37 (hg19) VCF-style: chr8-133135538-G-T.
Other names: c.*5971C>A (NM_001204824.2).
Identifiers: ClinVar variation 908558 (VCV000908558.28), dbSNP rs749511015, ClinGen allele CA185426589.

ClinVar aggregate classification (germline): Conflicting classifications of pathogenicity. Review status: criteria provided, conflicting classifications (1 of 4 stars). 2 submissions from 2 submitters: Uncertain significance (1); Benign (1). Last evaluated 2022-05-01.

Conditions:
Seizures, benign familial neonatal, 2. Also called: KCNQ3-Related Self-Limited Familial Neonatal Epilepsy (SLFNE); Benign Neonatal Epilepsy 2; KCNQ3-Related Benign Familial Neonatal Epilepsy; Seizures, benign neonatal, 2; CONVULSIONS, BENIGN FAMILIAL NEONATAL, 2. Identifiers: Orphanet 1949, MedGen C1852581, MONDO:0007366, OMIM 121201.

Allele frequency attached by ClinVar (database versions not stated): TOPMed 0.00019; gnomAD 0.00023 and 0.00024.
gnomAD v4.1: 39 of 152,700 alleles (0.026%); highest among the groups gnomAD compares: Non-Finnish European, 0.048%; no homozygotes.

Submissions (2):

CeGaT Center for Human Genetics Tuebingen
Classification: Benign. Last evaluated: 2022-05-01. Review status: criteria provided, single submitter. Criteria: CeGaT Center For Human Genetics Tuebingen Variant Classification Criteria Version 2. Collection method: clinical testing. Allele origin: germline. Affected: yes. Observed: 1 variant allele.
Comment: KCNQ3: BS1, BS2

Illumina Laboratory Services, Illumina
Classification: Uncertain significance for Seizures, benign familial neonatal, 2. Last evaluated: 2018-01-12. Review status: criteria provided, single submitter. Criteria: ICSL Variant Classification Criteria 13 December 2019. Collection method: clinical testing. Allele origin: germline.